The following is an entry in ClinVar:

ClinVar aggregate classification (germline): Likely benign. Review status: criteria provided, multiple submitters, no conflicts (2 of 4 stars). 3 submissions from 3 submitters: Likely benign (3). Last evaluated 2025-12-29.

Conditions:
WBP2-related disorder. Also called: WBP2-related condition.

Allele frequency attached by ClinVar (database versions not stated): 1000 Genomes Project 0.00020; TOPMed 0.00086; gnomAD exomes 0.00094 and 0.00132; ESP Exome Variant Server 0.00101; gnomAD 0.00126 and 0.00133; ExAC 0.00163; 1000 Genomes Project 30x 0.00016.
gnomAD v4.1: 1,498 of 1,558,462 alleles (0.096%); highest among the groups gnomAD compares: Non-Finnish European, 0.1%; 6 homozygotes.

Submissions (3):

Labcorp Genetics (formerly Invitae), Labcorp
Classification: Likely benign. Last evaluated: 2025-12-29. Review status: criteria provided, single submitter. Criteria: Invitae Variant Classification Sherloc (09022015). Collection method: clinical testing. Allele origin: germline.

Blueprint Genetics
Classification: Likely benign. Last evaluated: 2024-11-28. Review status: criteria provided, single submitter. Criteria: ACMG Guidelines, 2015. Collection method: clinical testing. Allele origin: germline.

PreventionGenetics, part of Exact Sciences
Classification: Likely benign for WBP2-related condition. Last evaluated: 2024-10-08. Review status: criteria provided, single submitter. Criteria: ACMG Guidelines, 2015. Collection method: clinical testing. Allele origin: germline.
Comment: This variant is classified as likely benign based on ACMG/AMP sequence variant interpretation guidelines (Richards et al. 2015 PMID: 25741868, with internal and published modifications).

NM_012478.4(WBP2):c.508T>C (p.Tyr170His)

Gene: WBP2 (WW domain binding protein 2; minus strand). Cytogenetic location: 17q25.1.
Variant type: single nucleotide variant.
Coding change: c.508T>C on transcript NM_012478.4 (MANE Select); coding-DNA position 508, T replaced by C.
Protein change: p.Tyr170His; replaces tyrosine 170 with histidine.
Molecular consequence: missense variant. On other transcripts: intron variant (1).
Genome position (GRCh38, 1-based): chr17:75,847,820, A>G on the plus strand (T>C on the coding strand, the complement: WBP2 is on the minus strand). VCF-style: chr17-75847820-A-G. GRCh37 (hg19) VCF-style: chr17-73843901-A-G.
Other names: c.508T>C, p.Tyr170His (NM_001348170.1); c.398-211T>C (NM_001330499.2); c.508T>C (NM_012478.3); short protein forms Y170H.
Identifiers: ClinVar variation 1595593 (VCV001595593.10), dbSNP rs200427088, ClinGen allele CA8773904.